The following is an entry in ClinVar:

ClinVar aggregate classification (germline): Uncertain significance (1 of 4 stars; one submission).

gnomAD v4.1: 3 of 1,613,862 alleles (0.00019%); highest among the groups gnomAD compares: East Asian, 0.0067%; no homozygotes.

Submission:

Labcorp Genetics (formerly Invitae), Labcorp
Classification: Uncertain significance. Last evaluated: 2025-09-14. Review status: criteria provided, single submitter. Criteria: Invitae Variant Classification Sherloc (09022015). Collection method: clinical testing. Allele origin: germline.
Comment: This sequence change replaces leucine, which is neutral and non-polar, with valine, which is neutral and non-polar, at codon 24 of the COL11A1 protein (p.Leu24Val). This variant is not present in population databases (gnomAD no frequency). This variant has not been reported in the literature in individuals affected with COL11A1-related conditions. Invitae Evidence Modeling of protein sequence and biophysical properties (such as structural, functional, and spatial information, amino acid conservation, physicochemical variation, residue mobility, and thermodynamic stability) indicates that this missense variant is not expected to disrupt COL11A1 protein function with a negative predictive value of 95%. In summary, the available evidence is currently insufficient to determine the role of this variant in disease. Therefore, it has been classified as a Variant of Uncertain Significance.

NM_001854.4(COL11A1):c.70T>G (p.Leu24Val)

Gene: COL11A1 (collagen type XI alpha 1 chain; minus strand). Cytogenetic location: 1p21.1.
Variant type: single nucleotide variant.
Coding change: c.70T>G on transcript NM_001854.4 (MANE Select); coding-DNA position 70, T replaced by G.
Protein change: p.Leu24Val; replaces leucine 24 with valine.
Molecular consequence: missense variant. On other transcripts: non-coding transcript variant (1).
Genome position (GRCh38, 1-based): chr1:103,108,109, A>C on the plus strand (T>G on the coding strand, the complement: COL11A1 is on the minus strand). VCF-style: chr1-103108109-A-C. GRCh37 (hg19) VCF-style: chr1-103573665-A-C.
Other names: c.70T>G, p.Leu24Val (NM_001190709.2, NM_080629.3, NM_080630.4); short protein forms L24V.
Identifiers: ClinVar variation 4799920 (VCV004799920.1).